The following is an entry in ClinVar:

NM_000310.4(PPT1):c.695A>G (p.Asn232Ser)

Gene: PPT1 (palmitoyl-protein thioesterase 1; minus strand). Cytogenetic location: 1p34.2.
Variant type: single nucleotide variant.
Coding change: c.695A>G on transcript NM_000310.4 (MANE Select); coding-DNA position 695, A replaced by G.
Protein change: p.Asn232Ser; replaces asparagine 232 with serine.
Molecular consequence: missense variant.
Genome position (GRCh38, 1-based): chr1:40,078,591, T>C on the plus strand (A>G on the coding strand, the complement: PPT1 is on the minus strand). VCF-style: chr1-40078591-T-C. GRCh37 (hg19) VCF-style: chr1-40544263-T-C.
Other names: c.386A>G, p.Asn129Ser (NM_001142604.2); c.695A>G, p.Asn232Ser (NM_001363695.2); short protein forms N129S, N232S.
Identifiers: ClinVar variation 989698 (VCV000989698.4), dbSNP rs768490419, ClinGen allele CA789588.

ClinVar aggregate classification (germline): Uncertain significance. Review status: criteria provided, single submitter (1 of 4 stars). 3 submissions from 3 submitters: Uncertain significance (1). 2 of the submissions do not count toward it. Last evaluated 2022-09-19.

Conditions:
Neuronal ceroid lipofuscinosis 1 (CLN1). Also called: PPT1-Related Neuronal Ceroid-Lipofuscinosis; CEROID LIPOFUSCINOSIS, NEURONAL, 1, VARIABLE AGE AT ONSET. Identifiers: Orphanet 228329, MedGen C1850451, MONDO:0009744, OMIM 256730.

Allele frequency attached by ClinVar (database versions not stated): gnomAD 0.00001; ExAC 0.00002; gnomAD exomes 0.00002; TOPMed 0.00003.
gnomAD v4.1: 34 of 1,613,834 alleles (0.0021%); highest among the groups gnomAD compares: East Asian, 0.0022%; no homozygotes.

Submissions (3):

Labcorp Genetics (formerly Invitae), Labcorp
Classification: Uncertain significance for Neuronal ceroid lipofuscinosis 1. Last evaluated: 2022-09-19. Review status: criteria provided, single submitter. Criteria: Invitae Variant Classification Sherloc (09022015). Collection method: clinical testing. Allele origin: germline.
Comment: This sequence change replaces asparagine, which is neutral and polar, with serine, which is neutral and polar, at codon 232 of the PPT1 protein (p.Asn232Ser). This variant is present in population databases (rs768490419, gnomAD 0.003%). This variant has not been reported in the literature in individuals affected with PPT1-related conditions. ClinVar contains an entry for this variant (Variation ID: 989698). Advanced modeling of protein sequence and biophysical properties (such as structural, functional, and spatial information, amino acid conservation, physicochemical variation, residue mobility, and thermodynamic stability) performed at Invitae indicates that this missense variant is not expected to disrupt PPT1 protein function. Algorithms developed to predict the effect of sequence changes on RNA splicing suggest that this variant may create or strengthen a splice site. In summary, the available evidence is currently insufficient to determine the role of this variant in disease. Therefore, it has been classified as a Variant of Uncertain Significance.

Natera, Inc.
Classification: Uncertain significance for Neuronal ceroid lipofuscinosis 1. Last evaluated: 2020-08-14. Review status: no assertion criteria provided. Collection method: clinical testing. Allele origin: germline. Not counted in ClinVar's aggregate classification.

Department of Pathology and Laboratory Medicine, Sinai Health System
Classification: Uncertain significance. Review status: no assertion criteria provided. Collection method: clinical testing. Allele origin: unknown. Affected: yes. Study: The Canadian Open Genetics Repository (COGR). Not counted in ClinVar's aggregate classification.
Comment: The PPT1 p.Asn232Ser variant was not identified in the literature nor was it identified in ClinVar. The variant was identified in dbSNP (ID: rs768490419) and in control databases in 4 of 251408 chromosomes at a frequency of 0.00001591 (Genome Aggregation Database March 6, 2019, v2.1.1). The variant was observed in the following populations: South Asian in 1 of 30616 chromosomes (freq: 0.000033) and European (non-Finnish) in 3 of 113688 chromosomes (freq: 0.000026), but was not observed in the African, Latino, Ashkenazi Jewish, East Asian, European (Finnish), or Other populations. The p.Asn232 residue is conserved in mammals but not in more distantly related organisms however four out of five computational analyses (PolyPhen-2, SIFT, AlignGVGD, BLOSUM, MutationTaster) do not suggest a high likelihood of impact to the protein; this information is not predictive enough to rule out pathogenicity. The variant occurs outside of the splicing consensus sequence and in silico or computational prediction software programs (SpliceSiteFinder, MaxEntScan, NNSPLICE, GeneSplicer) do not predict a difference in splicing. In summary, based on the above information the clinical significance of this variant cannot be determined with certainty at this time. This variant is classified as a variant of uncertain significance.